The following is an entry in ClinVar:

NM_007348.4(ATF6):c.909+4A>T

Gene: ATF6 (activating transcription factor 6; plus strand). Cytogenetic location: 1q23.3.
Variant type: single nucleotide variant.
Coding change: c.909+4A>T on transcript NM_007348.4 (MANE Select); 4 bases into the intron after coding-DNA position 909, A replaced by T.
Molecular consequence: intron variant.
Genome position (GRCh38, 1-based): chr1:161,802,276, A>T. VCF-style: chr1-161802276-A-T. GRCh37 (hg19) VCF-style: chr1-161772066-A-T.
Identifiers: ClinVar variation 1932763 (VCV001932763.5), dbSNP rs752382786, ClinGen allele CA1214310.

ClinVar aggregate classification (germline): Uncertain significance (1 of 4 stars; one submission).

Allele frequency attached by ClinVar (database versions not stated): TOPMed below 0.00001; gnomAD 0.00001; ExAC 0.00002.
gnomAD v4.1: 12 of 1,612,844 alleles (0.00074%); highest among the groups gnomAD compares: Admixed American, 0.02%; 1 homozygote.

Submission:

Labcorp Genetics (formerly Invitae), Labcorp
Classification: Uncertain significance. Last evaluated: 2022-06-14. Review status: criteria provided, single submitter. Criteria: Invitae Variant Classification Sherloc (09022015). Collection method: clinical testing. Allele origin: germline.
Comment: In summary, the available evidence is currently insufficient to determine the role of this variant in disease. Therefore, it has been classified as a Variant of Uncertain Significance. Variants that disrupt the consensus splice site are a relatively common cause of aberrant splicing (PMID: 17576681, 9536098). Algorithms developed to predict the effect of sequence changes on RNA splicing suggest that this variant may disrupt the consensus splice site. This variant has not been reported in the literature in individuals affected with ATF6-related conditions. This sequence change falls in intron 7 of the ATF6 gene. It does not directly change the encoded amino acid sequence of the ATF6 protein. It affects a nucleotide within the consensus splice site. This variant is present in population databases (rs752382786, gnomAD 0.01%).

Literature cited by the submitters: PubMed 17576681; PubMed 9536098.